The following is an entry in ClinVar:

NM_001844.5(COL2A1):c.1746_1749dup (p.Asp584Ter)

Gene: COL2A1 (collagen type II alpha 1 chain; minus strand). Cytogenetic location: 12q13.11.
Variant type: Duplication.
Coding change: c.1746_1749dup on transcript NM_001844.5 (MANE Select); coding-DNA positions 1746 to 1749, 4 bases duplicated (TGAA; older notation c.1746_1749dupTGAA).
Protein change: p.Asp584Ter; replaces aspartic acid 584 with a stop codon.
Molecular consequence: nonsense.
Genome position (GRCh38, 1-based): chr12:47,985,079-47,985,082, TTCA duplicated on the plus strand (TGAA on the coding strand, the reverse complement: COL2A1 is on the minus strand). VCF-style (leftmost placement, unchanged base first): chr12-47985078-C-CTTCA. GRCh37 (hg19) VCF-style: chr12-48378861-C-CTTCA.
Other names: c.1539_1542dup, p.Asp515Ter (NM_033150.3); short protein forms D515*, D584*.
Identifiers: ClinVar variation 953765 (VCV000953765.7), dbSNP rs1939319603, ClinGen allele CA1139662596.
Genomic context (GRCh38, chr12:47,985,078, plus strand): 5'-AACCCATGACACCAGGCTGCCCACGAGCCCCCTGAGGACCTGGAGGTCCAGGACGACCAT[C>CTTCA]TTCACCAGGGGCTCCCTGAAAGACAGAACACCATTCTCAGAACATAGACACTCTGACCAC-3'

ClinVar aggregate classification (germline): Pathogenic (1 of 4 stars; one submission).

Submission:

Labcorp Genetics (formerly Invitae), Labcorp
Classification: Pathogenic. Last evaluated: 2022-07-11. Review status: criteria provided, single submitter. Criteria: Invitae Variant Classification Sherloc (09022015). Collection method: clinical testing. Allele origin: germline.
Comment: For these reasons, this variant has been classified as Pathogenic. ClinVar contains an entry for this variant (Variation ID: 953765). This variant has not been reported in the literature in individuals affected with COL2A1-related conditions. This variant is not present in population databases (gnomAD no frequency). This sequence change creates a premature translational stop signal (p.Asp584*) in the COL2A1 gene. It is expected to result in an absent or disrupted protein product. Loss-of-function variants in COL2A1 are known to be pathogenic (PMID: 20179744).

Literature cited by the submitters: PubMed 20179744.